The following is an entry in ClinVar:

NM_001375524.1(TRRAP):c.6642G>T (p.Lys2214Asn)

Gene: TRRAP (transformation/transcription domain associated protein; plus strand). Cytogenetic location: 7q22.1.
Variant type: single nucleotide variant.
Coding change: c.6642G>T on transcript NM_001375524.1 (MANE Select); coding-DNA position 6642, G replaced by T.
Protein change: p.Lys2214Asn; replaces lysine 2214 with asparagine.
Molecular consequence: missense variant.
Genome position (GRCh38, 1-based): chr7:98,961,413, G>T. VCF-style: chr7-98961413-G-T. GRCh37 (hg19) VCF-style: chr7-98559036-G-T.
Other names: c.6567G>T, p.Lys2189Asn (NM_003496.4); c.6621G>T, p.Lys2207Asn (NM_001244580.2); short protein forms K2189N, K2207N, K2214N.
Identifiers: ClinVar variation 2630262 (VCV002630262.2), dbSNP rs1360466334, ClinGen allele CA368285297.
Genomic context (GRCh38, chr7:98,961,413, plus strand): 5'-CAGTAGCTTCAAACCTCTGCAGCGTGGAATTGCCGCCTGCATGACATGTGGAAACACCAA[G>T]GTGTTGCGAGCCGTCCACAGCCTTCTCTCGCGCCTGATGAGCATTTTCCCAACAGAGCCG-3'
Protein context (NP_001362453.1, residues 2204-2224): IAACMTCGNT[Lys2214Asn]VLRAVHSLLS

ClinVar aggregate classification (germline): Uncertain significance (1 of 4 stars; one submission).

Conditions:
TRRAP-related disorder. Also called: TRRAP-related condition.

Submission:

PreventionGenetics, part of Exact Sciences
Classification: Uncertain significance for TRRAP-related condition. Last evaluated: 2025-11-14. Review status: criteria provided, single submitter. Criteria: ACMG Guidelines, 2015. Collection method: clinical testing. Allele origin: germline.
Comment: The TRRAP c.6567G>T variant is predicted to result in the amino acid substitution p.Lys2189Asn. To our knowledge, this variant has not been reported in the literature or in a large population database (gnomAD), indicating this variant is rare. At this time, the clinical significance of this variant is uncertain due to the absence of conclusive functional and genetic evidence.